The following is an entry in ClinVar:

NM_004836.7(EIF2AK3):c.627_628dup (p.Gly210fs)

Gene: EIF2AK3 (eukaryotic translation initiation factor 2 alpha kinase 3; minus strand). Cytogenetic location: 2p11.2.
Variant type: Duplication.
Coding change: c.627_628dup on transcript NM_004836.7 (MANE Select); coding-DNA positions 627 to 628, 2 bases duplicated (TG; older notation c.627_628dupTG).
Protein change: p.Gly210fs; shifts the reading frame from glycine 210.
Molecular consequence: frameshift variant.
Genome position (GRCh38, 1-based): chr2:88,595,474-88,595,475, CA duplicated on the plus strand (TG on the coding strand, the reverse complement: EIF2AK3 is on the minus strand); duplicating any 2 consecutive bases within chr2:88,595,474-88,595,476 gives the same sequence; the c. name uses the placement nearest the transcript's 3' end. VCF-style (leftmost placement, unchanged base first): chr2-88595473-C-CCA. GRCh37 (hg19) VCF-style: chr2-88894991-C-CCA.
Other names: c.174_175dup, p.Gly59fs (NM_001313915.2); short protein forms G210fs, G59fs.
Identifiers: ClinVar variation 2754870 (VCV002754870.3), dbSNP rs2529182222, ClinGen allele CA2697548363.

ClinVar aggregate classification (germline): Pathogenic (1 of 4 stars; one submission).

Submission:

Labcorp Genetics (formerly Invitae), Labcorp
Classification: Pathogenic. Last evaluated: 2023-08-24. Review status: criteria provided, single submitter. Criteria: Invitae Variant Classification Sherloc (09022015). Collection method: clinical testing. Allele origin: germline.
Comment: This sequence change creates a premature translational stop signal (p.Gly210Valfs*4) in the EIF2AK3 gene. It is expected to result in an absent or disrupted protein product. Loss-of-function variants in EIF2AK3 are known to be pathogenic (PMID: 11997520). This variant is not present in population databases (gnomAD no frequency). This variant has not been reported in the literature in individuals affected with EIF2AK3-related conditions. For these reasons, this variant has been classified as Pathogenic.

Literature cited by the submitters: PubMed 11997520.